The following is an entry in ClinVar:

ClinVar aggregate classification (germline): Uncertain significance (1 of 4 stars; one submission).

Submission:

Labcorp Genetics (formerly Invitae), Labcorp
Classification: Uncertain significance. Last evaluated: 2022-03-06. Review status: criteria provided, single submitter. Criteria: Invitae Variant Classification Sherloc (09022015). Collection method: clinical testing. Allele origin: germline.
Comment: This sequence change replaces alanine, which is neutral and non-polar, with phenylalanine, which is neutral and non-polar, at codon 80 of the SLC2A9 protein (p.Ala80Phe). This variant is present in population databases (no rsID available, gnomAD 0.06%). This variant has not been reported in the literature in individuals affected with SLC2A9-related conditions. Algorithms developed to predict the effect of missense changes on protein structure and function are either unavailable or do not agree on the potential impact of this missense change (SIFT: "Not Available"; PolyPhen-2: "Probably Damaging"; Align-GVGD: "Not Available"). In summary, the available evidence is currently insufficient to determine the role of this variant in disease. Therefore, it has been classified as a Variant of Uncertain Significance.

NM_020041.3(SLC2A9):c.238_239delinsTT (p.Ala80Phe)

Genes: SLC2A9 (solute carrier family 2 member 9; minus strand), SLC2A9-AS3 (SLC2A9 antisense RNA 3; plus strand). Cytogenetic location: 4p16.1.
Variant type: Indel.
Coding change: c.238_239delinsTT on transcript NM_020041.3 (MANE Select); coding-DNA positions 238 to 239, GC replaced by TT.
Protein change: p.Ala80Phe; replaces alanine 80 with phenylalanine.
Molecular consequence: missense variant.
Genome position (GRCh38, 1-based): chr4:10,018,985-10,018,986, GC replaced by AA on the plus strand (GC replaced by TT on the coding strand, the reverse complement: SLC2A9 is on the minus strand). VCF-style: chr4-10018985-GC-AA. GRCh37 (hg19) VCF-style: chr4-10020609-GC-AA.
Other names: c.151_152delinsTT, p.Ala51Phe (NM_001001290.2); short protein forms A80F, A51F.
Identifiers: ClinVar variation 1898025 (VCV001898025.5), dbSNP rs2547281288, ClinGen allele CA2580070828.
Genomic context (GRCh38, chr4:10,018,985, plus strand): 5'-GGTTTCCGCAGGGCCGCAGCGCCCTCTGCCGGGCCTTGGCGCGCACTCACCGGGGTGGGG[GC>AA]ATTCACCACCGACAGGTTGTAGCCGTAGAGGAAGGAGGAGCCGAAGGCGCCCGCGAGGGA-3'
Protein context (NP_064425.2, residues 70-90): LYGYNLSVVN[Ala80Phe]PTPYIKAFYN